The following is an entry in ClinVar:

ClinVar aggregate classification (germline): Conflicting classifications of pathogenicity. Review status: criteria provided, conflicting classifications (1 of 4 stars). 14 submissions from 14 submitters: Uncertain significance (8); Likely benign (4). 2 of the submissions do not count toward it. Last evaluated 2026-01-26.

Conditions:
Connective tissue disorder. Also called: Connective tissue disease. Identifiers: MedGen C0009782, MONDO:0003900.
Marfan syndrome (MFS). Also called: FBN1-Related Marfan Syndrome; Marfan syndrome, classic; MARFAN SYNDROME, TYPE I; Marfan syndrome type 1; Marfan's syndrome. Identifiers: Orphanet 284963, Orphanet 558, MedGen C0024796, MONDO:0007947, OMIM 154700.
Familial thoracic aortic aneurysm and aortic dissection (TAAD). Also called: Thoracic aortic aneurysms and dissections. Identifiers: Orphanet 91387, MedGen C4707243, MONDO:0019625.
FBN1-related disorder. Also called: FBN1-related disorders.

Allele frequency attached by ClinVar (database versions not stated): ESP Exome Variant Server 0.00015; 1000 Genomes Project 0.00040; gnomAD exomes 0.00011 and 0.00012; ExAC 0.00014; 1000 Genomes Project 30x 0.00031; gnomAD 0.00005; TOPMed 0.00007.
gnomAD v4.1: 176 of 1,614,126 alleles (0.011%); highest among the groups gnomAD compares: Non-Finnish European, 0.013%; no homozygotes.

Submissions 1 to 8 of 14:

Women's Health and Genetics/Laboratory Corporation of America, LabCorp
Classification: Likely benign. Last evaluated: 2026-01-26. Review status: criteria provided, single submitter. Criteria: LabCorp Variant Classification Summary - May 2015. Collection method: clinical testing. Allele origin: germline.
Comment: Variant summary: FBN1 c.2927G>A (p.Arg976His) results in a non-conservative amino acid change in the encoded protein sequence. Algorithms developed to predict the effect of missense changes on protein structure and function all suggest that this variant is likely to be disruptive. The variant allele was found at a frequency of 0.00011 in 251620 control chromosomes, predominantly at a frequency of 0.00017 within the Non-Finnish European subpopulation in the gnomAD database. The observed variant frequency within Non-Finnish European control individuals in the gnomAD database exceeds the estimated maximal expected allele frequency for disease-causing variants in FBN1. c.2927G>A has been observed in individuals affected with Marfan Syndrome without strong evidence for causality (Wooderchak-Donahue_2015, Lerner-Ellis_2014, Robinson_2012, Comeglio_2007). These reports do not provide unequivocal conclusions about association of the variant with Marfan Syndrome. Co-occurrences with other pathogenic variant(s) have been reported (FBN1 c.1601G>A, p.Cys534Tyr) (Lerner-Ellis_2014), providing supporting evidence for a benign role. At least one publication reports experimental evidence evaluating an impact on protein function (Robinson_2012, Zhang_2015). These results showed no damaging effect of this variant. The following publications have been ascertained in the context of this evaluation (PMID: 17657824, 21895641, 24941995, 24793577, 25637381, 25944730, 25812041, 25839328, 27647783). ClinVar contains an entry for this variant (Variation ID: 42321). Based on the evidence outlined above, the variant was classified as likely benign.

Labcorp Genetics (formerly Invitae), Labcorp
Classification: Likely benign for Marfan syndrome; Familial thoracic aortic aneurysm and aortic dissection. Last evaluated: 2026-01-17. Review status: criteria provided, single submitter. Criteria: Invitae Variant Classification Sherloc (09022015). Collection method: clinical testing. Allele origin: germline.

Blueprint Genetics
Classification: Likely benign. Last evaluated: 2024-06-07. Review status: criteria provided, single submitter. Criteria: ACMG Guidelines, 2015. Collection method: clinical testing. Allele origin: germline.

Color Diagnostics, LLC DBA Color Health
Classification: Uncertain significance for Familial thoracic aortic aneurysm and aortic dissection. Last evaluated: 2024-04-23. Review status: criteria provided, single submitter. Criteria: ACMG Guidelines, 2015. Collection method: clinical testing. Allele origin: germline.
Comment: This missense variant replaces arginine with histidine at codon 976 of the FBN1 protein. Computational prediction tools indicate that this variant has a deleterious impact on protein structure and function. To our knowledge, functional studies have not been reported for this variant. This variant has been reported in individuals affected with Marfan syndrome (PMID: 17657824, 21895641, 25944730, 28941062). It has also been reported in one individual suspected to be affected with Marfan syndrome who also carried a different pathogenic missense variant in the same gene (PMID: 24793577). This variant has been identified in 29/282840 chromosomes in the general population by the Genome Aggregation Database (gnomAD). The elevated variant allele frequency in the general population indicates that this variant may not be disease-causing. However, additional studies are necessary to determine the role of this variant in disease conclusively. Therefore, this variant is classified as a Variant of Uncertain Significance.

GeneDx
Classification: Uncertain significance. Last evaluated: 2024-04-09. Review status: criteria provided, single submitter. Criteria: GeneDx Variant Classification Process June 2021. Collection method: clinical testing. Allele origin: germline. Affected: yes.
Comment: Reported in association with Marfan syndrome; however, at least one patient harbored a second FBN1 variant (p. C534Y) which was suspected to be the cause of disease (PMID: 17657824, 25944730, 28941062, 24793577); Although located in a TGF-binding protein domain (aka TB domain or 8-Cysteine domain), it does not affect a cysteine residue within this domain; other missense substitutions that affect cysteine residues within this TGF-binding protein domain have been reported in association with various FBN1-related phenotypes (HGMD); In silico analysis supports that this missense variant has a deleterious effect on protein structure/function; This variant is associated with the following publications: (PMID: 28941062, 25637381, 25812041, 27647783, 24941995, 21895641, 25944730, 31211626, 24793577, 26633542, 25839328, 35130036, 34663891, 17657824, 32123317)

Genomic Medicine Center of Excellence, King Faisal Specialist Hospital and Research Centre
Classification: Likely benign for Marfan syndrome. Last evaluated: 2024-03-29. Review status: criteria provided, single submitter. Criteria: ACMG Guidelines, 2015. Collection method: clinical testing. Allele origin: germline.

All of Us Research Program, National Institutes of Health
Classification: Uncertain significance for Marfan syndrome. Last evaluated: 2024-01-11. Review status: criteria provided, single submitter. Criteria: ACMG Guidelines, 2015. Collection method: clinical testing. Allele origin: germline. Inheritance: Autosomal dominant inheritance. Observed: 25 variant alleles, 25 heterozygotes.
Comment: This missense variant replaces arginine with histidine at codon 976 of the FBN1 protein. Computational prediction suggests that this variant may have a deleterious impact on protein structure and function (internally defined REVEL score threshold >= 0.7, PMID: 27666373). To our knowledge, functional studies have not been reported for this variant. This variant has been reported in individuals affected with Marfan syndrome (PMID: 17657824, 21895641, 25944730, 28941062). It has also been reported in an individual affected with clinical features of Marfan syndrome who also carried a different pathogenic missense variant in the same gene (PMID: 24793577). This variant has been identified in 29/282840 chromosomes in the general population by the Genome Aggregation Database (gnomAD). The available evidence is insufficient to determine the role of this variant in disease conclusively. Therefore, this variant is classified as a Variant of Uncertain Significance.

This study involves interpretation of variants in research participants for the purpose of population health screening. Participant phenotype was not available at the time of variant classification. Additional details can be found in publication PMID: 35346344, PMCID: PMC8962531

Ambry Genetics
Classification: Uncertain significance for Familial thoracic aortic aneurysm and aortic dissection. Last evaluated: 2024-01-03. Review status: criteria provided, single submitter. Criteria: Ambry Variant Classification Scheme 2023. Collection method: clinical testing. Allele origin: germline.
Comment: The p.R976H variant (also known as c.2927G>A), located in coding exon 24 of the FBN1 gene, results from a G to A substitution at nucleotide position 2927. The arginine at codon 976 is replaced by histidine, an amino acid with highly similar properties, and is located in the TGFBP#03 domain. This variant was reported in a patient described to have classic Marfan syndrome (MS) (Comeglio P et al. Hum Mutat. 2007;28(9):928) and in cohorts of individuals with symptoms of Marfan syndrome (Robinson DO et al. Clin Genet. 2012;82(3):223-31; Wooderchak-Donahue W et al. Am. J. Med. Genet. A. 2015;167A:1747-57; Vatti L et al. Am. J. Med. Genet. A. 2017:epub ahead of print); however, clinical details were limited in all studies. This variant has also been seen in exome cohorts not selected for presence of MFS or cardiovascular findings; however, clinical history was limited or not provided (Yang RQ et al. BMC Genet. 2014;15:74; Amendola LM et al. Genome Res. 2015;25(3):305-15; Retterer K et al. Genet Med. 2016 07;18(7):696-704; Damrauer SM et al. Circ Genom Precis Med. 2019 06;12(6):e002454). Based on data from gnomAD, the frequency for this variant is above the maximum credible frequency for a disease-causing variant in this gene based on internally established thresholds (Karczewski et al. Nature. 2020 May;581(7809):434-443; Whiffin et al. Genet Med. 2017 10;19:1151-1158). This amino acid position is highly conserved in available vertebrate species. In addition, this alteration is predicted to be deleterious by in silico analysis. Since supporting evidence is conflicting at this time, the clinical significance of this alteration remains unclear.

NM_000138.5(FBN1):c.2927G>A (p.Arg976His)

Gene: FBN1 (fibrillin 1; minus strand). Cytogenetic location: 15q21.1.
Variant type: single nucleotide variant.
Coding change: c.2927G>A on transcript NM_000138.5 (MANE Select); coding-DNA position 2927, G replaced by A.
Protein change: p.Arg976His; replaces arginine 976 with histidine.
Molecular consequence: missense variant.
Genome position (GRCh38, 1-based): chr15:48,490,006, C>T on the plus strand (G>A on the coding strand, the complement: FBN1 is on the minus strand). VCF-style: chr15-48490006-C-T. GRCh37 (hg19) VCF-style: chr15-48782203-C-T.
Other names: p.R976H:CGC>CAC; short protein forms R976H.
Identifiers: ClinVar variation 42321 (VCV000042321.48), dbSNP rs140954477, ClinGen allele CA013533.